The following is an entry in ClinVar:

NM_000179.3(MSH6):c.660A>G (p.Glu220=)

Gene: MSH6 (mutS homolog 6; plus strand). Cytogenetic location: 2p16.3.
Variant type: single nucleotide variant.
Coding change: c.660A>G on transcript NM_000179.3 (MANE Select); coding-DNA position 660, A replaced by G.
Protein change: p.Glu220=; no amino-acid change (glutamic acid 220 retained).
Molecular consequence: synonymous variant. On other transcripts: 5 prime UTR variant (2).
Genome position (GRCh38, 1-based): chr2:47,798,643, A>G. VCF-style: chr2-47798643-A-G. GRCh37 (hg19) VCF-style: chr2-48025782-A-G.
Other names: c.270A>G, p.Glu90= (NM_001281492.2); c.-247A>G (NM_001281493.2, NM_001281494.2).
Identifiers: ClinVar variation 1106109 (VCV001106109.10), dbSNP rs1800938, ClinGen allele CA425995887.

ClinVar aggregate classification (germline): Benign/Likely benign. Review status: criteria provided, multiple submitters, no conflicts (2 of 4 stars). 2 submissions from 2 submitters: Benign (1); Likely benign (1). Last evaluated 2024-12-19.

Conditions:
Hereditary nonpolyposis colorectal neoplasms. Identifiers: MedGen C0009405, MeSH D003123.
Lynch syndrome 5 (LYNCH5). Also called: Hereditary non-polyposis colorectal cancer, type 5; Colorectal cancer, hereditary nonpolyposis, type 5. Identifiers: Orphanet 144, MedGen C1833477, MONDO:0013710, OMIM 614350. Disease mechanism: loss of function.

Submissions (2):

Myriad Genetics, Inc.
Classification: Benign for Lynch syndrome 5. Last evaluated: 2024-12-19. Review status: criteria provided, single submitter. Criteria: Myriad Autosomal Dominant, Autosomal Recessive and X-Linked Classification Criteria (2023). Collection method: clinical testing. Allele origin: unknown.
Comment: This variant is considered benign. This variant is a silent/synonymous amino acid change and it is not expected to impact splicing.

Labcorp Genetics (formerly Invitae), Labcorp
Classification: Likely benign for Hereditary nonpolyposis colorectal neoplasms. Last evaluated: 2024-04-22. Review status: criteria provided, single submitter. Criteria: Invitae Variant Classification Sherloc (09022015). Collection method: clinical testing. Allele origin: germline.